The following is an entry in ClinVar:

NM_015072.5(TTLL5):c.56AGG[1] (p.Glu20del)

Gene: TTLL5 (tubulin tyrosine ligase like 5; plus strand). Cytogenetic location: 14q24.3.
Variant type: Microsatellite.
Coding change: c.56AGG[1] on transcript NM_015072.5 (MANE Select); one copy of the 3-base unit AGG starting at c.56; the reference has two copies in a row; one copy, 3 bases deleted.
Protein change: p.Glu20del; deletes glutamic acid 20.
Molecular consequence: inframe deletion.
Genome position (GRCh38, 1-based): chr14:75,663,208-75,663,210, AGG deleted; deleting any 3 consecutive bases within chr14:75,663,204-75,663,210 gives the same sequence; the position shown is the placement nearest the transcript's 3' end. VCF-style (leftmost placement, unchanged base first): chr14-75663203-TGAG-T. GRCh37 (hg19) VCF-style: chr14-76129546-TGAG-T.
Other names: short protein forms E20del.
Identifiers: ClinVar variation 2847518 (VCV002847518.3), dbSNP rs2504187341, ClinGen allele CA2739280019.
Genomic context (GRCh38, chr14:75,663,203, plus strand): 5'-AAAGGAAATGCCAATCGTGATGGCCCGGGACCTGGAGGAAACAGCATCATCCTCAGAGGA[TGAG>T]GAGGTCATAAGTCAAGAGTAAGTAATAGCAAGCCTGCTTTCAACCTGTGCTTTGTACTCT-3'

ClinVar aggregate classification (germline): Uncertain significance (1 of 4 stars; one submission).

Submission:

Labcorp Genetics (formerly Invitae), Labcorp
Classification: Uncertain significance. Last evaluated: 2023-04-26. Review status: criteria provided, single submitter. Criteria: Invitae Variant Classification Sherloc (09022015). Collection method: clinical testing. Allele origin: germline.
Comment: In summary, the available evidence is currently insufficient to determine the role of this variant in disease. Therefore, it has been classified as a Variant of Uncertain Significance. Experimental studies and prediction algorithms are not available or were not evaluated, and the functional significance of this variant is currently unknown. This variant has not been reported in the literature in individuals affected with TTLL5-related conditions. This variant is not present in population databases (gnomAD no frequency). This variant, c.59_61del, results in the deletion of 1 amino acid(s) of the TTLL5 protein (p.Glu20del), but otherwise preserves the integrity of the reading frame.